The following is an entry in ClinVar:

ClinVar aggregate classification (germline): Uncertain significance (1 of 4 stars; one submission).

gnomAD v4.1: 4 of 1,610,828 alleles (0.00025%); highest among the groups gnomAD compares: South Asian, 0.0011%; no homozygotes.

Submission:

Labcorp Genetics (formerly Invitae), Labcorp
Classification: Uncertain significance. Last evaluated: 2026-01-25. Review status: criteria provided, single submitter. Criteria: Invitae Variant Classification Sherloc (09022015). Collection method: clinical testing. Allele origin: germline.
Comment: This sequence change replaces proline, which is neutral and non-polar, with arginine, which is basic and polar, at codon 82 of the COL9A3 protein (p.Pro82Arg). This variant is present in population databases (rs199653123, gnomAD 0.0009%). This variant has not been reported in the literature in individuals affected with COL9A3-related conditions. Invitae Evidence Modeling of protein sequence and biophysical properties (such as structural, functional, and spatial information, amino acid conservation, physicochemical variation, residue mobility, and thermodynamic stability) indicates that this missense variant is not expected to disrupt COL9A3 protein function with a negative predictive value of 95%. In summary, the available evidence is currently insufficient to determine the role of this variant in disease. Therefore, it has been classified as a Variant of Uncertain Significance.

NM_001853.4(COL9A3):c.245C>G (p.Pro82Arg)

Gene: COL9A3 (collagen type IX alpha 3 chain; plus strand). Cytogenetic location: 20q13.33.
Variant type: single nucleotide variant.
Coding change: c.245C>G on transcript NM_001853.4 (MANE Select); coding-DNA position 245, C replaced by G.
Protein change: p.Pro82Arg; replaces proline 82 with arginine.
Molecular consequence: missense variant.
Genome position (GRCh38, 1-based): chr20:62,819,283, C>G. VCF-style: chr20-62819283-C-G. GRCh37 (hg19) VCF-style: chr20-61450635-C-G.
Other names: short protein forms P82R.
Identifiers: ClinVar variation 4773874 (VCV004773874.1).
Genomic context (GRCh38, chr20:62,819,283, plus strand): 5'-GACCAAAGGGGGCCCCAGGAAAGCCGGGGAAACCAGGAGAGGCTGGGCTGCCGGGACTGC[C>G]GGGTGTGGATGTGAGTGCGCCTGCCCCTCCCCGCCATGCCCCACTCCCCGCTCCGGGTCC-3'
Protein context (NP_001844.3, residues 72-92): KPGEAGLPGL[Pro82Arg]GVDGLTGRDG